The following is an entry in ClinVar:

ClinVar aggregate classification (germline): Benign/Likely benign. Review status: criteria provided, multiple submitters, no conflicts (2 of 4 stars). 11 submissions from 11 submitters: Benign (6); Likely benign (4). 1 of the submissions does not count toward it. Last evaluated 2026-07-10.

Conditions:
SMARCA4-related disorder. Also called: SMARCA4-related condition.
Coffin-Siris syndrome. Identifiers: Orphanet 1465, MedGen C0265338, MONDO:0015452.
Hereditary cancer-predisposing syndrome. Also called: Hereditary Cancer Syndrome; Tumor predisposition; Hereditary neoplastic syndrome; Neoplastic Syndromes, Hereditary. Identifiers: Orphanet 140162, MedGen C0027672, MeSH D009386, MONDO:0015356.
Intellectual disability, autosomal dominant 16 (CSS4). Also called: COFFIN-SIRIS SYNDROME 4. Identifiers: Orphanet 1465, MedGen C3553249, MONDO:0013821, OMIM 614609.
Rhabdoid tumor predisposition syndrome 2 (RTPS2). Identifiers: Orphanet 231108, Orphanet 69077, MedGen C2750074, MONDO:0013224, OMIM 613325.

Allele frequency attached by ClinVar (database versions not stated): TOPMed 0.00010; gnomAD exomes 0.00028 and 0.00024; 1000 Genomes Project 30x 0.00078; gnomAD 0.00025 and 0.00011; ExAC 0.00037; 1000 Genomes Project 0.00060; ESP Exome Variant Server 0.00008.
gnomAD v4.1: 445 of 1,613,846 alleles (0.028%); highest among the groups gnomAD compares: East Asian, 0.72%; 3 homozygotes.

Submissions (11):

Myriad Genetics, Inc.
Classification: Benign for Rhabdoid tumor predisposition syndrome 2. Last evaluated: 2026-07-10. Review status: criteria provided, single submitter. Criteria: Myriad Autosomal Dominant, Autosomal Recessive and X-Linked Classification Criteria (2023). Collection method: clinical testing. Allele origin: unknown.
Comment: This variant is considered benign. This variant is a silent/synonymous amino acid change and it is not expected to impact splicing.

Labcorp Genetics (formerly Invitae), Labcorp
Classification: Benign for Rhabdoid tumor predisposition syndrome 2. Last evaluated: 2026-02-04. Review status: criteria provided, single submitter. Criteria: Invitae Variant Classification Sherloc (09022015). Collection method: clinical testing. Allele origin: germline.

CeGaT Center for Human Genetics Tuebingen
Classification: Likely benign. Last evaluated: 2026-01-01. Review status: criteria provided, single submitter. Criteria: CeGaT Center For Human Genetics Tuebingen Variant Classification Criteria Version 2. Collection method: clinical testing. Allele origin: germline. Affected: yes. Observed: 2 variant alleles.
Comment: SMARCA4: BP4, BP7, BS1

Blueprint Genetics
Classification: Likely benign. Last evaluated: 2024-11-08. Review status: criteria provided, single submitter. Criteria: ACMG Guidelines, 2015. Collection method: clinical testing. Allele origin: germline.

Quest Diagnostics Nichols Institute San Juan Capistrano
Classification: Benign. Last evaluated: 2022-12-03. Review status: criteria provided, single submitter. Criteria: Quest Diagnostics criteria. Collection method: clinical testing. Allele origin: unknown.

Genome-Nilou Lab
Classification: Benign for Intellectual disability, autosomal dominant 16. Last evaluated: 2021-07-15. Review status: criteria provided, single submitter. Criteria: ACMG Guidelines, 2015. Collection method: clinical testing. Allele origin: germline. Affected: no.

Sema4
Classification: Benign for Hereditary cancer-predisposing syndrome. Last evaluated: 2021-07-13. Review status: criteria provided, single submitter. Criteria: Sema4 Curation Guidelines. Collection method: curation. Allele origin: germline.

GeneDx
Classification: Likely benign. Last evaluated: 2020-12-11. Review status: criteria provided, single submitter. Criteria: GeneDx Variant Classification Process June 2021. Collection method: clinical testing. Allele origin: germline. Affected: yes.

Illumina Laboratory Services, Illumina
Classification: Benign for Coffin-Siris syndrome. Last evaluated: 2018-01-13. Review status: criteria provided, single submitter. Criteria: ICSL Variant Classification Criteria 13 December 2019. Collection method: clinical testing. Allele origin: germline.
Comment: This variant was observed in the ICSL laboratory as part of a predisposition screen in an ostensibly healthy population. It had not been previously curated by ICSL or reported in the Human Gene Mutation Database (HGMD: prior to June 1st, 2018), and was therefore a candidate for classification through an automated scoring system. Utilizing variant allele frequency, disease prevalence and penetrance estimates, and inheritance mode, an automated score was calculated to assess if this variant is too frequent to cause the disease. Based on the score and internal cut-off values, a variant classified as benign is not then subjected to further curation. The score for this variant resulted in a classification of benign for this disease.

Ambry Genetics
Classification: Likely benign for Hereditary cancer-predisposing syndrome. Last evaluated: 2015-07-01. Review status: criteria provided, single submitter. Criteria: Ambry Variant Classification Scheme 2023. Collection method: clinical testing. Allele origin: germline.

PreventionGenetics, part of Exact Sciences
Classification: Likely benign for SMARCA4-related condition. Last evaluated: 2024-04-30. Review status: no assertion criteria provided. Collection method: clinical testing. Allele origin: germline. Not counted in ClinVar's aggregate classification.
Comment: This variant is classified as likely benign based on ACMG/AMP sequence variant interpretation guidelines (Richards et al. 2015 PMID: 25741868, with internal and published modifications).

NM_003072.5(SMARCA4):c.1557C>T (p.Asn519=)

Gene: SMARCA4 (SWI/SNF related BAF chromatin remodeling complex subunit ATPase 4; plus strand). Cytogenetic location: 19p13.2.
Variant type: single nucleotide variant.
Coding change: c.1557C>T on transcript NM_003072.5 (MANE Select); coding-DNA position 1557, C replaced by T.
Protein change: p.Asn519=; no amino-acid change (asparagine 519 retained).
Molecular consequence: synonymous variant. On other transcripts: non-coding transcript variant (1).
Genome position (GRCh38, 1-based): chr19:10,994,965, C>T. VCF-style: chr19-10994965-C-T. GRCh37 (hg19) VCF-style: chr19-11105641-C-T.
Other names: c.1557C>T, p.Asn519= (NM_001128844.3, NM_001128845.2, NM_001128846.2 and 5 more transcripts).
Identifiers: ClinVar variation 238379 (VCV000238379.56), dbSNP rs2288845, ClinGen allele CA9203794.